The following is an entry in ClinVar:

ClinVar aggregate classification (germline): Uncertain significance (1 of 4 stars; one submission).

gnomAD v4.1: 1 of 1,614,024 alleles (0.000062%); highest among the groups gnomAD compares: Non-Finnish European, 0.000085%; no homozygotes.

Submission:

Labcorp Genetics (formerly Invitae), Labcorp
Classification: Uncertain significance. Last evaluated: 2025-07-20. Review status: criteria provided, single submitter. Criteria: Invitae Variant Classification Sherloc (09022015). Collection method: clinical testing. Allele origin: germline.
Comment: This sequence change replaces proline, which is neutral and non-polar, with serine, which is neutral and polar, at codon 1631 of the KMT2E protein (p.Pro1631Ser). This variant is not present in population databases (gnomAD no frequency). This variant has not been reported in the literature in individuals affected with KMT2E-related conditions. An algorithm developed to predict the effect of missense changes on protein structure and function (PolyPhen-2) suggests that this variant is likely to be disruptive. In summary, the available evidence is currently insufficient to determine the role of this variant in disease. Therefore, it has been classified as a Variant of Uncertain Significance.

NM_182931.3(KMT2E):c.4891C>T (p.Pro1631Ser)

Gene: KMT2E (lysine methyltransferase 2E (inactive); plus strand). Cytogenetic location: 7q22.3.
Variant type: single nucleotide variant.
Coding change: c.4891C>T on transcript NM_182931.3 (MANE Select); coding-DNA position 4891, C replaced by T.
Protein change: p.Pro1631Ser; replaces proline 1631 with serine.
Molecular consequence: missense variant.
Genome position (GRCh38, 1-based): chr7:105,112,647, C>T. VCF-style: chr7-105112647-C-T. GRCh37 (hg19) VCF-style: chr7-104753094-C-T.
Other names: c.4765C>T, p.Pro1589Ser (NM_001410908.1); c.4891C>T, p.Pro1631Ser (NM_018682.4); short protein forms P1589S, P1631S.
Identifiers: ClinVar variation 4710902 (VCV004710902.1).